The following is an entry in ClinVar:

ClinVar aggregate classification (germline): Benign. Review status: criteria provided, multiple submitters, no conflicts (2 of 4 stars). 3 submissions from 3 submitters: Benign (3). Last evaluated 2021-08-10.

Conditions:
Weaver syndrome (WVS). Also called: Weaver Smith syndrome; Overgrowth syndrome with accelerated skeletal maturation, unusual facies, and camptodactyly. Identifiers: Orphanet 3447, MedGen C0265210, MONDO:0010193, OMIM 277590.

Allele frequency attached by ClinVar (database versions not stated): gnomAD exomes 0.69003 and 0.70233; ExAC 0.70405; gnomAD 0.75370 and 0.75951; 1000 Genomes Project 0.77037; ESP Exome Variant Server 0.77126; 1000 Genomes Project 30x 0.77436; TOPMed 0.77497.
gnomAD v4.1: 1,104,585 of 1,586,100 alleles (70%); highest among the groups gnomAD compares: African/African-American, 94%; 388,036 homozygotes.

Submissions (3):

Genome-Nilou Lab
Classification: Benign for Weaver syndrome. Last evaluated: 2021-08-10. Review status: criteria provided, single submitter. Criteria: ACMG Guidelines, 2015. Collection method: clinical testing. Allele origin: germline. Affected: no.

GeneDx
Classification: Benign. Last evaluated: 2018-06-19. Review status: criteria provided, single submitter. Criteria: GeneDx Variant Classification (06012015). Collection method: clinical testing. Allele origin: germline. Affected: yes.
Comment: This variant is considered likely benign or benign based on one or more of the following criteria: it is a conservative change, it occurs at a poorly conserved position in the protein, it is predicted to be benign by multiple in silico algorithms, and/or has population frequency not consistent with disease.

Breakthrough Genomics
Classification: Benign. Review status: criteria provided, single submitter. Criteria: ACMG Guidelines, 2015. Collection method: not provided. Allele origin: germline. Inheritance: Autosomal dominant inheritance. Affected: yes.

NM_004456.5(EZH2):c.246+37T>C

Gene: EZH2 (enhancer of zeste 2 polycomb repressive complex 2 subunit; minus strand). Cytogenetic location: 7q36.1.
Variant type: single nucleotide variant.
Coding change: c.246+37T>C on transcript NM_004456.5 (MANE Select); 37 bases into the intron after coding-DNA position 246, T replaced by C.
Molecular consequence: intron variant.
Genome position (GRCh38, 1-based): chr7:148,846,433, A>G on the plus strand (T>C on the coding strand, the complement: EZH2 is on the minus strand). VCF-style: chr7-148846433-A-G. GRCh37 (hg19) VCF-style: chr7-148543525-A-G.
Other names: c.219+64T>C (NM_001203248.2, NM_001203249.2); c.246+37T>C (NM_152998.3, NM_001203247.2).
Identifiers: ClinVar variation 670931 (VCV000670931.4), dbSNP rs10274535, ClinGen allele CA4548181.